The following is an entry in ClinVar:

ClinVar aggregate classification (germline): Uncertain significance (1 of 4 stars; one submission).

Conditions:
Mendelian susceptibility to mycobacterial diseases due to complete IL12RB1 deficiency. Also called: Immunodeficiency 30; IL12RB1 DEFICIENCY. Identifiers: Orphanet 319552, MedGen C4013949, MONDO:0013955, OMIM 614891.

Allele frequency attached by ClinVar (database versions not stated): gnomAD exomes below 0.00001.
gnomAD v4.1: 2 of 1,614,132 alleles (0.00012%); highest among the groups gnomAD compares: South Asian, 0.0022%; no homozygotes.

Submission:

Labcorp Genetics (formerly Invitae), Labcorp
Classification: Uncertain significance for Mendelian susceptibility to mycobacterial diseases due to complete IL12RB1 deficiency. Last evaluated: 2022-02-22. Review status: criteria provided, single submitter. Criteria: Invitae Variant Classification Sherloc (09022015). Collection method: clinical testing. Allele origin: germline.
Comment: In summary, the available evidence is currently insufficient to determine the role of this variant in disease. Therefore, it has been classified as a Variant of Uncertain Significance. Algorithms developed to predict the effect of missense changes on protein structure and function are either unavailable or do not agree on the potential impact of this missense change (SIFT: "Deleterious"; PolyPhen-2: "Possibly Damaging"; Align-GVGD: "Class C0"). This variant has not been reported in the literature in individuals affected with IL12RB1-related conditions. This variant is present in population databases (no rsID available, gnomAD 0.003%). This sequence change replaces leucine, which is neutral and non-polar, with glutamine, which is neutral and polar, at codon 284 of the IL12RB1 protein (p.Leu284Gln).

NM_005535.3(IL12RB1):c.851T>A (p.Leu284Gln)

Gene: IL12RB1 (interleukin 12 receptor subunit beta 1; minus strand). Cytogenetic location: 19p13.11.
Variant type: single nucleotide variant.
Coding change: c.851T>A on transcript NM_005535.3 (MANE Select); coding-DNA position 851, T replaced by A.
Protein change: p.Leu284Gln; replaces leucine 284 with glutamine.
Molecular consequence: missense variant.
Genome position (GRCh38, 1-based): chr19:18,072,282, A>T on the plus strand (T>A on the coding strand, the complement: IL12RB1 is on the minus strand). VCF-style: chr19-18072282-A-T. GRCh37 (hg19) VCF-style: chr19-18183092-A-T.
Other names: c.851T>A, p.Leu284Gln (NM_001290023.2, NM_153701.3); c.971T>A, p.Leu324Gln (NM_001290024.2); short protein forms L324Q, L284Q.
Identifiers: ClinVar variation 2102103 (VCV002102103.4), dbSNP rs1236215248, ClinGen allele CA404780381.